The following is an entry in ClinVar:

NM_001204.7(BMPR2):c.2551_2563del (p.Phe851fs)

Gene: BMPR2 (bone morphogenetic protein receptor type 2; plus strand). Cytogenetic location: 2q33.2.
Variant type: Deletion.
Coding change: c.2551_2563del on transcript NM_001204.7 (MANE Select); coding-DNA positions 2551 to 2563, 13 bases deleted (TTTATTGGTGAGG).
Protein change: p.Phe851fs; shifts the reading frame from phenylalanine 851.
Molecular consequence: frameshift variant.
Genome position (GRCh38, 1-based): chr2:202,556,216-202,556,228, TTTATTGGTGAGG deleted; deleting any 13 consecutive bases within chr2:202,556,215-202,556,228 gives the same sequence; the c. name uses the placement nearest the transcript's 3' end. VCF-style (leftmost placement, unchanged base first): chr2-202556214-AGTTTATTGGTGAG-A. GRCh37 (hg19) VCF-style: chr2-203420937-AGTTTATTGGTGAG-A.
Other names: short protein forms F851fs.
Identifiers: ClinVar variation 2110983 (VCV002110983.4), dbSNP rs2468743970, ClinGen allele CA2580065459.

ClinVar aggregate classification (germline): Pathogenic (1 of 4 stars; one submission).

Conditions:
Primary pulmonary hypertension. Also called: Idiopathic pulmonary hypertension. Identifiers: MedGen C0152171.

Submission:

Labcorp Genetics (formerly Invitae), Labcorp
Classification: Pathogenic for Primary pulmonary hypertension. Last evaluated: 2022-03-13. Review status: criteria provided, single submitter. Criteria: Invitae Variant Classification Sherloc (09022015). Collection method: clinical testing. Allele origin: germline.
Comment: This variant has not been reported in the literature in individuals affected with BMPR2-related conditions. For these reasons, this variant has been classified as Pathogenic. This variant is not present in population databases (gnomAD no frequency). This sequence change creates a premature translational stop signal (p.Phe851Thrfs*4) in the BMPR2 gene. It is expected to result in an absent or disrupted protein product. Loss-of-function variants in BMPR2 are known to be pathogenic (PMID: 16429395).

Literature cited by the submitters: PubMed 16429395.